The following is an entry in ClinVar:

NM_020988.3(GNAO1):c.781A>G (p.Ile261Val)

Gene: GNAO1 (G protein subunit alpha o1; plus strand). Cytogenetic location: 16q13.
Variant type: single nucleotide variant.
Coding change: c.781A>G on transcript NM_020988.3 (MANE Select); coding-DNA position 781, A replaced by G.
Protein change: p.Ile261Val; replaces isoleucine 261 with valine.
Molecular consequence: missense variant.
Genome position (GRCh38, 1-based): chr16:56,351,441, A>G. VCF-style: chr16-56351441-A-G. GRCh37 (hg19) VCF-style: chr16-56385353-A-G.
Other names: short protein forms I261V.
Identifiers: ClinVar variation 3640230 (VCV003640230.2).

ClinVar aggregate classification (germline): Uncertain significance (1 of 4 stars; one submission).

Conditions:
Early-infantile DEE. Also called: Early infantile epileptic encephalopathy; Ohtahara syndrome; Early infantile epileptic encephalopathy with suppression bursts. Identifiers: Orphanet 1934, MedGen C0393706, MONDO:0800491.

gnomAD v4.1: 3 of 1,611,014 alleles (0.00019%); highest among the groups gnomAD compares: Non-Finnish European, 0.00025%; no homozygotes.

Submission:

Labcorp Genetics (formerly Invitae), Labcorp
Classification: Uncertain significance for Early-infantile DEE. Last evaluated: 2024-12-31. Review status: criteria provided, single submitter. Criteria: Invitae Variant Classification Sherloc (09022015). Collection method: clinical testing. Allele origin: germline.
Comment: This sequence change replaces isoleucine, which is neutral and non-polar, with valine, which is neutral and non-polar, at codon 261 of the GNAO1 protein (p.Ile261Val). This variant is not present in population databases (gnomAD no frequency). This variant has not been reported in the literature in individuals affected with GNAO1-related conditions. Invitae Evidence Modeling of protein sequence and biophysical properties (such as structural, functional, and spatial information, amino acid conservation, physicochemical variation, residue mobility, and thermodynamic stability) indicates that this missense variant is not expected to disrupt GNAO1 protein function with a negative predictive value of 95%. In summary, the available evidence is currently insufficient to determine the role of this variant in disease. Therefore, it has been classified as a Variant of Uncertain Significance.